The following is an entry in ClinVar:

ClinVar aggregate classification (germline): Uncertain significance. Review status: criteria provided, multiple submitters, no conflicts (2 of 4 stars). 3 submissions from 3 submitters: Uncertain significance (3). Last evaluated 2025-06-26.

Conditions:
Inborn genetic diseases. Identifiers: MedGen C0950123, MeSH D030342.
Perlman syndrome (PRLMNS). Identifiers: Orphanet 2849, MedGen C0796113, MONDO:0009965, OMIM 267000.

Allele frequency attached by ClinVar (database versions not stated): gnomAD 0.00001; ExAC 0.00002; gnomAD exomes 0.00001; TOPMed 0.00002.
gnomAD v4.1: 20 of 1,613,846 alleles (0.0012%); highest among the groups gnomAD compares: East Asian, 0.0022%; no homozygotes.

Submissions (3):

Dasa
Classification: Uncertain significance. Last evaluated: 2025-06-26. Review status: criteria provided, single submitter. Criteria: DASA Assertion Criteria. Collection method: clinical testing. Allele origin: germline.
Comment: NM_152383.5(DIS3L2):c.581C>T (p.Ser194Leu) is a missense variant that results in the substitution of serine with leucine. This variant is rare in population databases. Computational prediction algorithms are consistent with a benign effect. The currently available literature and clinical evidence are not sufficient to establish a definitive association between this variant and the reported condition. Therefore, this variant is classified as a variant of uncertain significance.

Ambry Genetics
Classification: Uncertain significance for Inborn genetic diseases. Last evaluated: 2023-11-09. Review status: criteria provided, single submitter. Criteria: Ambry Variant Classification Scheme 2023. Collection method: clinical testing. Allele origin: germline.

Labcorp Genetics (formerly Invitae), Labcorp
Classification: Uncertain significance for Perlman syndrome. Last evaluated: 2023-08-08. Review status: criteria provided, single submitter. Criteria: Invitae Variant Classification Sherloc (09022015). Collection method: clinical testing. Allele origin: germline.
Comment: In summary, the available evidence is currently insufficient to determine the role of this variant in disease. Therefore, it has been classified as a Variant of Uncertain Significance. An algorithm developed to predict the effect of missense changes on protein structure and function (PolyPhen-2) suggests that this variant¬†is likely to be tolerated. ClinVar contains an entry for this variant (Variation ID: 841404). This variant has not been reported in the literature in individuals affected with DIS3L2-related conditions. This variant is present in population databases (rs772157269, gnomAD 0.002%). This sequence change replaces serine, which is neutral and polar, with leucine, which is neutral and non-polar, at codon 194 of the DIS3L2 protein (p.Ser194Leu).

NM_152383.5(DIS3L2):c.581C>T (p.Ser194Leu)

Gene: DIS3L2 (DIS3 like 3'-5' exoribonuclease 2; plus strand). Cytogenetic location: 2q37.1.
Variant type: single nucleotide variant.
Coding change: c.581C>T on transcript NM_152383.5 (MANE Select); coding-DNA position 581, C replaced by T.
Protein change: p.Ser194Leu; replaces serine 194 with leucine.
Molecular consequence: missense variant. On other transcripts: non-coding transcript variant (2).
Genome position (GRCh38, 1-based): chr2:232,087,701, C>T. VCF-style: chr2-232087701-C-T. GRCh37 (hg19) VCF-style: chr2-232952411-C-T.
Other names: c.581C>T, p.Ser194Leu (NM_001257281.2, NM_001257282.2); short protein forms S194L.
Identifiers: ClinVar variation 841404 (VCV000841404.8), dbSNP rs772157269, ClinGen allele CA2163849.
Genomic context (GRCh38, chr2:232,087,701, plus strand): 5'-ACTCAGAAGATGGACATGGCATCACACAAAATGTGCTGGTTGATGGTGTTAAGAAACTCT[C>T]AGTTTGTGTTTCTGAGAAAGGTGAGTACTAGACTATTGTCTTACTTTTTTTTTAAGTACA-3'
Protein context (NP_689596.4, residues 184-204): NVLVDGVKKL[Ser194Leu]VCVSEKGRED